The following is an entry in ClinVar:

ClinVar aggregate classification (germline): Uncertain significance (1 of 4 stars; one submission).

gnomAD v4.1: 2 of 1,594,896 alleles (0.00013%); highest among the groups gnomAD compares: Non-Finnish European, 0.00017%; no homozygotes.

Submission:

GeneDx
Classification: Uncertain significance. Last evaluated: 2025-03-27. Review status: criteria provided, single submitter. Criteria: GeneDx Variant Classification Process June 2021. Collection method: clinical testing. Allele origin: germline. Affected: yes.
Comment: Not observed at significant frequency in large population cohorts (gnomAD); In silico analysis supports that this missense variant has a deleterious effect on protein structure/function; Has not been previously published as pathogenic or benign to our knowledge; Located in one of the three hot-spot regions of the RYR2 gene, where the majority of pathogenic missense variants occur (PMID: 19926015); This variant is associated with the following publications: (PMID: 19926015)

NM_001035.3(RYR2):c.1151T>C (p.Met384Thr)

Gene: RYR2 (ryanodine receptor 2; plus strand). Cytogenetic location: 1q43.
Variant type: single nucleotide variant.
Coding change: c.1151T>C on transcript NM_001035.3 (MANE Select); coding-DNA position 1151, T replaced by C.
Protein change: p.Met384Thr; replaces methionine 384 with threonine.
Molecular consequence: missense variant.
Genome position (GRCh38, 1-based): chr1:237,441,464, T>C. VCF-style: chr1-237441464-T-C. GRCh37 (hg19) VCF-style: chr1-237604764-T-C.
Other names: short protein forms M384T.
Identifiers: ClinVar variation 4278682 (VCV004278682.1).